The following is an entry in ClinVar:

NM_019844.4(SLCO1B3):c.727+7A>G

Genes: SLCO1B3 (solute carrier organic anion transporter family member 1B3; plus strand), SLCO1B3-SLCO1B7 (SLCO1B3-SLCO1B7 readthrough; plus strand). Cytogenetic location: 12p12.2.
Variant type: single nucleotide variant.
Coding change: c.727+7A>G on transcript NM_019844.4 (MANE Select); 7 bases into the intron after coding-DNA position 727, A replaced by G.
Molecular consequence: intron variant.
Genome position (GRCh38, 1-based): chr12:20,862,861, A>G. VCF-style: chr12-20862861-A-G. GRCh37 (hg19) VCF-style: chr12-21015795-A-G.
Other names: c.643+7A>G (NM_001349920.2); c.727+7A>G (NM_001371097.1).
Identifiers: ClinVar variation 881837 (VCV000881837.10), dbSNP rs376199890, ClinGen allele CA6475307.

ClinVar aggregate classification (germline): Likely benign. Review status: criteria provided, multiple submitters, no conflicts (2 of 4 stars). 2 submissions from 2 submitters: Likely benign (2). Last evaluated 2026-02-01.

Conditions:
Rotor syndrome (HBLRR). Also called: HYPERBILIRUBINEMIA, ROTOR TYPE; HYPERBILIRUBINEMIA, ROTOR TYPE, DIGENIC. Identifiers: Orphanet 3111, MedGen C0220991, MONDO:0009379, OMIM 237450.

Allele frequency attached by ClinVar (database versions not stated): TOPMed 0.00034; gnomAD 0.00046 and 0.00070; ESP Exome Variant Server 0.00054; gnomAD exomes 0.00068 and 0.00087; ExAC 0.00096; 1000 Genomes Project 30x 0.00109; 1000 Genomes Project 0.00120.
gnomAD v4.1: 983 of 1,448,530 alleles (0.068%); highest among the groups gnomAD compares: South Asian, 0.55%; 6 homozygotes.

Submissions (2):

CeGaT Center for Human Genetics Tuebingen
Classification: Likely benign. Last evaluated: 2026-02-01. Review status: criteria provided, single submitter. Criteria: CeGaT Center For Human Genetics Tuebingen Variant Classification Criteria Version 2. Collection method: clinical testing. Allele origin: germline. Affected: yes. Observed: 2 variant alleles.
Comment: SLCO1B3: BP4, BS2; SLCO1B3-SLCO1B7: BS2

Illumina Laboratory Services, Illumina
Classification: Likely benign for Rotor syndrome. Last evaluated: 2018-01-12. Review status: criteria provided, single submitter. Criteria: ICSL Variant Classification Criteria 13 December 2019. Collection method: clinical testing. Allele origin: germline.
Comment: This variant was observed in the ICSL laboratory as part of a predisposition screen in an ostensibly healthy population. It had not been previously curated by ICSL or reported in the Human Gene Mutation Database (HGMD: prior to June 1st, 2018), and was therefore a candidate for classification through an automated scoring system. Utilizing variant allele frequency, disease prevalence and penetrance estimates, and inheritance mode, an automated score was calculated to assess if this variant is too frequent to cause the disease. Based on the score and internal cut-off values, a variant classified as likely benign is not then subjected to further curation. The score for this variant resulted in a classification of likely benign for this disease.